The following is an entry in ClinVar:

NM_000262.3(NAGA):c.1108del (p.Asp370fs)

Gene: NAGA (alpha-N-acetylgalactosaminidase; minus strand). Cytogenetic location: 22q13.2.
Variant type: Deletion.
Coding change: c.1108del on transcript NM_000262.3 (MANE Select); coding-DNA position 1108, one base deleted (G; older notation c.1108delG).
Protein change: p.Asp370fs; shifts the reading frame from aspartic acid 370.
Molecular consequence: frameshift variant.
Genome position (GRCh38, 1-based): chr22:42,060,407, C deleted on the plus strand (G on the coding strand, the reverse complement: NAGA is on the minus strand); the first of 2 consecutive C bases (chr22:42,060,407-42,060,408); deleting either gives the same sequence. VCF-style (leftmost placement, unchanged base first): chr22-42060406-TC-T. GRCh37 (hg19) VCF-style: chr22-42456410-TC-T.
Other names: c.1108del, p.Asp370fs (NM_001362848.1, NM_001362850.1); short protein forms D370fs.
Identifiers: ClinVar variation 5003939 (VCV005003939.1).

ClinVar aggregate classification (germline): Uncertain significance (1 of 4 stars; one submission).

Conditions:
Alpha-N-acetylgalactosaminidase deficiency. Identifiers: Orphanet 3137, MedGen C5848084, MONDO:0017779.

Submission:

Myriad Genetics, Inc.
Classification: Uncertain significance for Alpha-N-acetylgalactosaminidase deficiency. Last evaluated: 2026-04-09. Review status: criteria provided, single submitter. Criteria: Myriad Autosomal Dominant, Autosomal Recessive and X-Linked Classification Criteria (2023). Collection method: clinical testing. Allele origin: unknown.
Comment: NM_000262.2(NAGA):c.1108delG(D370Tfs*19) is a frameshift variant classified as a variant of uncertain significance in the context of NAGA-related disorders. D370Tfs*19 has not been observed in cases with relevant disease. Relevant functional assessments of this variant are not available in the literature. D370Tfs*19 has not been observed in referenced population frequency databases. In summary, there is insufficient evidence to classify NM_000262.2(NAGA):c.1108delG(D370Tfs*19) as pathogenic or benign. Please note: this variant was assessed in the context of healthy population screening.